The following is an entry in ClinVar:

NM_013382.7(POMT2):c.1189C>G (p.Leu397Val)

Gene: POMT2 (protein O-mannosyltransferase 2; minus strand). Cytogenetic location: 14q24.3.
Variant type: single nucleotide variant.
Coding change: c.1189C>G on transcript NM_013382.7 (MANE Select); coding-DNA position 1189, C replaced by G.
Protein change: p.Leu397Val; replaces leucine 397 with valine.
Molecular consequence: missense variant.
Genome position (GRCh38, 1-based): chr14:77,288,826, G>C on the plus strand (C>G on the coding strand, the complement: POMT2 is on the minus strand). VCF-style: chr14-77288826-G-C. GRCh37 (hg19) VCF-style: chr14-77755169-G-C.
Other names: short protein forms L397V.
Identifiers: ClinVar variation 2081450 (VCV002081450.2), dbSNP rs368596603, ClinGen allele CA7285929.

ClinVar aggregate classification (germline): Uncertain significance (1 of 4 stars; one submission).

Conditions:
Muscular dystrophy-dystroglycanopathy (congenital with brain and eye anomalies), type A2. Also called: MUSCULAR DYSTROPHY-DYSTROGLYCANOPATHY (CONGENITAL WITH BRAIN AND EYE ANOMALIES), TYPE A, 2; WALKER-WARBURG SYNDROME OR MUSCLE-EYE-BRAIN DISEASE, POMT2-RELATED. Identifiers: Orphanet 588, Orphanet 899, MedGen C3150411, MONDO:0013154, OMIM 613150.
Autosomal recessive limb-girdle muscular dystrophy type 2N. Also called: MUSCULAR DYSTROPHY-DYSTROGLYCANOPATHY, LIMB-GIRDLE, POMT2-RELATED; Muscular dystrophy-dystroglycanopathy (limb-girdle), type C, 2. Identifiers: Orphanet 206559, MedGen C3150418, MONDO:0013162, OMIM 613158.
Muscular dystrophy-dystroglycanopathy (congenital with impaired intellectual development), type B, 2. Also called: Muscular dystrophy-dystroglycanopathy (congenital with intellectual disability), type B2; MUSCULAR DYSTROPHY, CONGENITAL, POMT2-RELATED. Identifiers: MedGen C3150416, MONDO:0013160, OMIM 613156.

Allele frequency attached by ClinVar (database versions not stated): ExAC 0.00001; gnomAD exomes 0.00001; ESP Exome Variant Server 0.00008.
gnomAD v4.1: 8 of 1,613,822 alleles (0.0005%); highest among the groups gnomAD compares: Non-Finnish European, 0.00068%; no homozygotes.

Submission:

Labcorp Genetics (formerly Invitae), Labcorp
Classification: Uncertain significance for Muscular dystrophy-dystroglycanopathy (congenital with impaired intellectual development), type B, 2; Muscular dystrophy-dystroglycanopathy (congenital with brain and eye anomalies), type A2; Autosomal recessive limb-girdle muscular dystrophy type 2N. Last evaluated: 2025-09-02. Review status: criteria provided, single submitter. Criteria: Invitae Variant Classification Sherloc (09022015). Collection method: clinical testing. Allele origin: germline.
Comment: This sequence change replaces leucine, which is neutral and non-polar, with valine, which is neutral and non-polar, at codon 397 of the POMT2 protein (p.Leu397Val). This variant is present in population databases (rs368596603, gnomAD 0.0009%). This variant has not been reported in the literature in individuals affected with POMT2-related conditions. ClinVar contains an entry for this variant (Variation ID: 2081450). Invitae Evidence Modeling of protein sequence and biophysical properties (such as structural, functional, and spatial information, amino acid conservation, physicochemical variation, residue mobility, and thermodynamic stability) indicates that this missense variant is not expected to disrupt POMT2 protein function with a negative predictive value of 95%. In summary, the available evidence is currently insufficient to determine the role of this variant in disease. Therefore, it has been classified as a Variant of Uncertain Significance.